The following is an entry in ClinVar:

NM_001854.4(COL11A1):c.2741C>T (p.Pro914Leu)

Gene: COL11A1 (collagen type XI alpha 1 chain; minus strand). Cytogenetic location: 1p21.1.
Variant type: single nucleotide variant.
Coding change: c.2741C>T on transcript NM_001854.4 (MANE Select); coding-DNA position 2741, C replaced by T.
Protein change: p.Pro914Leu; replaces proline 914 with leucine.
Molecular consequence: missense variant. On other transcripts: non-coding transcript variant (1).
Genome position (GRCh38, 1-based): chr1:102,978,721, G>A on the plus strand (C>T on the coding strand, the complement: COL11A1 is on the minus strand). VCF-style: chr1-102978721-G-A. GRCh37 (hg19) VCF-style: chr1-103444277-G-A.
Other names: c.2624C>T, p.Pro875Leu (NM_001190709.2); c.2777C>T, p.Pro926Leu (NM_080629.3); c.2393C>T, p.Pro798Leu (NM_080630.4); short protein forms P926L, P798L, P875L, P914L.
Identifiers: ClinVar variation 1485804 (VCV001485804.8), dbSNP rs2101678875, ClinGen allele CA341162910.

ClinVar aggregate classification (germline): Uncertain significance (1 of 4 stars; one submission).

Submission:

Labcorp Genetics (formerly Invitae), Labcorp
Classification: Uncertain significance. Last evaluated: 2025-08-15. Review status: criteria provided, single submitter. Criteria: Invitae Variant Classification Sherloc (09022015). Collection method: clinical testing. Allele origin: germline.
Comment: This sequence change replaces proline, which is neutral and non-polar, with leucine, which is neutral and non-polar, at codon 914 of the COL11A1 protein (p.Pro914Leu). This variant is not present in population databases (gnomAD no frequency). This variant has not been reported in the literature in individuals affected with COL11A1-related conditions. ClinVar contains an entry for this variant (Variation ID: 1485804). Invitae Evidence Modeling of protein sequence and biophysical properties (such as structural, functional, and spatial information, amino acid conservation, physicochemical variation, residue mobility, and thermodynamic stability) indicates that this missense variant is not expected to disrupt COL11A1 protein function with a negative predictive value of 80%. In summary, the available evidence is currently insufficient to determine the role of this variant in disease. Therefore, it has been classified as a Variant of Uncertain Significance.